The following is an entry in ClinVar:

ClinVar aggregate classification (germline): Conflicting classifications of pathogenicity. Review status: criteria provided, conflicting classifications (1 of 4 stars). 6 submissions from 6 submitters: Uncertain significance (1); Benign (2); Likely benign (3). Last evaluated 2026-01-24.

Conditions:
Inborn genetic diseases. Identifiers: MedGen C0950123, MeSH D030342.
Neuropathy, hereditary sensory and autonomic, type 1C. Also called: HSAN IC; HSN IC. Identifiers: Orphanet 36386, MedGen C3150896, MONDO:0013337, OMIM 613640.

Allele frequency attached by ClinVar (database versions not stated): gnomAD 0.00023 and 0.00024; gnomAD exomes 0.00026 and 0.00054; TOPMed 0.00027; ExAC 0.00033; ESP Exome Variant Server 0.00038.
gnomAD v4.1: 438 of 1,611,096 alleles (0.027%); highest among the groups gnomAD compares: Non-Finnish European, 0.0047%; 2 homozygotes.

Submissions (6):

Labcorp Genetics (formerly Invitae), Labcorp
Classification: Likely benign for Neuropathy, hereditary sensory and autonomic, type 1C. Last evaluated: 2026-01-24. Review status: criteria provided, single submitter. Criteria: Invitae Variant Classification Sherloc (09022015). Collection method: clinical testing. Allele origin: germline.

Ambry Genetics
Classification: Likely benign for Inborn genetic diseases. Last evaluated: 2020-10-20. Review status: criteria provided, single submitter. Criteria: Ambry Variant Classification Scheme 2023. Collection method: clinical testing. Allele origin: germline.

Mayo Clinic Laboratories, Mayo Clinic
Classification: Benign. Last evaluated: 2018-06-15. Review status: criteria provided, single submitter. Criteria: ACMG Guidelines, 2015. Collection method: clinical testing. Allele origin: germline. Observed: 1 variant allele.

Illumina Laboratory Services, Illumina
Classification: Benign for Neuropathy, hereditary sensory and autonomic, type 1C. Last evaluated: 2018-01-12. Review status: criteria provided, single submitter. Criteria: ICSL Variant Classification Criteria 13 December 2019. Collection method: clinical testing. Allele origin: germline.
Comment: This variant was observed in the ICSL laboratory as part of a predisposition screen in an ostensibly healthy population. It had not been previously curated by ICSL or reported in the Human Gene Mutation Database (HGMD: prior to June 1st, 2018), and was therefore a candidate for classification through an automated scoring system. Utilizing variant allele frequency, disease prevalence and penetrance estimates, and inheritance mode, an automated score was calculated to assess if this variant is too frequent to cause the disease. Based on the score and internal cut-off values, a variant classified as benign is not then subjected to further curation. The score for this variant resulted in a classification of benign for this disease.

GeneDx
Classification: Likely benign. Last evaluated: 2017-01-25. Review status: criteria provided, single submitter. Criteria: GeneDx Variant Classification (06012015). Collection method: clinical testing. Allele origin: germline. Affected: yes.
Comment: This variant is considered likely benign or benign based on one or more of the following criteria: it is a conservative change, it occurs at a poorly conserved position in the protein, it is predicted to be benign by multiple in silico algorithms, and/or has population frequency not consistent with disease.

Eurofins Ntd Llc (ga)
Classification: Uncertain significance. Last evaluated: 2016-04-22. Review status: criteria provided, single submitter. Criteria: EGL Classification Definitions 2015. Collection method: clinical testing. Allele origin: germline. Observed: 1 variant allele, 1 heterozygote.

NM_004863.4(SPTLC2):c.851-5T>C

Gene: SPTLC2 (serine palmitoyltransferase long chain base subunit 2; minus strand). Cytogenetic location: 14q24.3.
Variant type: single nucleotide variant.
Coding change: c.851-5T>C on transcript NM_004863.4 (MANE Select); 5 bases into the intron before coding-DNA position 851, T replaced by C.
Molecular consequence: intron variant.
Genome position (GRCh38, 1-based): chr14:77,557,151, A>G on the plus strand (T>C on the coding strand, the complement: SPTLC2 is on the minus strand). VCF-style: chr14-77557151-A-G. GRCh37 (hg19) VCF-style: chr14-78023494-A-G.
Other names: p.?.
Identifiers: ClinVar variation 287675 (VCV000287675.22), dbSNP rs199867946, ClinGen allele CA7289326.
Genomic context (GRCh38, chr14:77,557,151, plus strand): 5'-CCGAGGCTGACCATAAACAATGGCATCTTTCAATAGCTTCTCTAGGCTTTGCATATCTAC[A>G]GAGCACAAAAAAGAACAGTTATACCGCATCTTCCTCTTTCCTAACTTTATTCCGGAAATG-3'